The following is an entry in ClinVar:

NM_015295.3(SMCHD1):c.1419A>G (p.Glu473=)

Gene: SMCHD1 (structural maintenance of chromosomes flexible hinge domain containing 1; plus strand). Cytogenetic location: 18p11.32.
Variant type: single nucleotide variant.
Coding change: c.1419A>G on transcript NM_015295.3 (MANE Select); coding-DNA position 1419, A replaced by G.
Protein change: p.Glu473=; no amino-acid change (glutamic acid 473 retained).
Molecular consequence: synonymous variant.
Genome position (GRCh38, 1-based): chr18:2,700,615, A>G. VCF-style: chr18-2700615-A-G. GRCh37 (hg19) VCF-style: chr18-2700613-A-G.
Identifiers: ClinVar variation 260629 (VCV000260629.46), dbSNP rs117771893, ClinGen allele CA8870739.

ClinVar aggregate classification (germline): Benign/Likely benign. Review status: criteria provided, multiple submitters, no conflicts (2 of 4 stars). 8 submissions from 8 submitters: Benign (3); Likely benign (4). 1 of the submissions does not count toward it. Last evaluated 2026-01-27.

Conditions:
SMCHD1-related disorder. Also called: SMCHD1-related condition.
Facioscapulohumeral muscular dystrophy 2 (FSHD2). Also called: FACIOSCAPULOHUMERAL MUSCULAR DYSTROPHY 2, DIGENIC; FSHD2, DIGENIC; MUSCULAR DYSTROPHY, FACIOSCAPULOHUMERAL, TYPE 1B. Identifiers: Orphanet 269, MedGen C1834671, MONDO:0008031, OMIM 158901.

Allele frequency attached by ClinVar (database versions not stated): 1000 Genomes Project 30x 0.00141; 1000 Genomes Project 0.00180; ESP Exome Variant Server 0.00320; TOPMed 0.00328; gnomAD exomes 0.00401 and 0.00464; ExAC 0.00402; gnomAD 0.00407 and 0.00426.
gnomAD v4.1: 7,365 of 1,611,754 alleles (0.46%); highest among the groups gnomAD compares: Non-Finnish European, 0.49%; 30 homozygotes.

Submissions (8):

Labcorp Genetics (formerly Invitae), Labcorp
Classification: Benign for Facioscapulohumeral muscular dystrophy 2. Last evaluated: 2026-01-27. Review status: criteria provided, single submitter. Criteria: Invitae Variant Classification Sherloc (09022015). Collection method: clinical testing. Allele origin: germline.

Athena Diagnostics
Classification: Benign. Last evaluated: 2025-02-24. Review status: criteria provided, single submitter. Criteria: Athena Diagnostics Criteria. Collection method: clinical testing. Allele origin: unknown.
Comment: The frequency of this variant in the general population is higher than would generally be expected for pathogenic variants in this gene.

Blueprint Genetics
Classification: Likely benign. Last evaluated: 2024-11-27. Review status: criteria provided, single submitter. Criteria: ACMG Guidelines, 2015. Collection method: clinical testing. Allele origin: germline.

CeGaT Center for Human Genetics Tuebingen
Classification: Likely benign. Last evaluated: 2023-08-01. Review status: criteria provided, single submitter. Criteria: CeGaT Center For Human Genetics Tuebingen Variant Classification Criteria Version 2. Collection method: clinical testing. Allele origin: germline. Affected: yes. Observed: 6 variant alleles.
Comment: SMCHD1: BP4, BP7, BS2

GeneDx
Classification: Likely benign. Last evaluated: 2021-05-24. Review status: criteria provided, single submitter. Criteria: GeneDx Variant Classification Process June 2021. Collection method: clinical testing. Allele origin: germline. Affected: yes.

Eurofins Ntd Llc (ga)
Classification: Benign. Last evaluated: 2015-09-07. Review status: criteria provided, single submitter. Criteria: EGL Classification Definitions 2015. Collection method: clinical testing. Allele origin: germline. Observed: 1 variant allele, 1 heterozygote.

Breakthrough Genomics
Classification: Likely benign. Review status: criteria provided, single submitter. Criteria: ACMG Guidelines, 2015. Collection method: not provided. Allele origin: germline. Inheritance: Autosomal dominant inheritance. Affected: yes.

PreventionGenetics, part of Exact Sciences
Classification: Benign for SMCHD1-related condition. Last evaluated: 2019-04-10. Review status: no assertion criteria provided. Collection method: clinical testing. Allele origin: germline. Not counted in ClinVar's aggregate classification.
Comment: This variant is classified as benign based on ACMG/AMP sequence variant interpretation guidelines (Richards et al. 2015 PMID: 25741868, with internal and published modifications).

Literature cited by the submitters: PubMed 31243061 (cited by Athena Diagnostics); PubMed 30979860 (cited by Athena Diagnostics).